The following is an entry in ClinVar:

NM_003265.3(TLR3):c.1025C>A (p.Ser342Ter)

Gene: TLR3 (toll like receptor 3; plus strand). Cytogenetic location: 4q35.1.
Variant type: single nucleotide variant.
Coding change: c.1025C>A on transcript NM_003265.3 (MANE Select); coding-DNA position 1025, C replaced by A.
Protein change: p.Ser342Ter; replaces serine 342 with a stop codon.
Molecular consequence: nonsense.
Genome position (GRCh38, 1-based): chr4:186,082,711, C>A. VCF-style: chr4-186082711-C-A. GRCh37 (hg19) VCF-style: chr4-187003865-C-A.
Other names: short protein forms S342*.
Identifiers: ClinVar variation 1898683 (VCV001898683.5), dbSNP rs1276480303, ClinGen allele CA358930682.

ClinVar aggregate classification (germline): Uncertain significance (1 of 4 stars; one submission).

Conditions:
Encephalopathy, acute, infection-induced (herpes-specific), susceptibility to, 1. Also called: Herpes simplex encephalitis, susceptibility to, 1. Identifiers: Orphanet 1930, MedGen C2750180, MONDO:0024563, OMIM 610551.

Allele frequency attached by ClinVar (database versions not stated): TOPMed 0.00001.
gnomAD v4.1: 12 of 1,614,052 alleles (0.00074%); highest among the groups gnomAD compares: Non-Finnish European, 0.001%; no homozygotes.

Submission:

Labcorp Genetics (formerly Invitae), Labcorp
Classification: Uncertain significance for Encephalopathy, acute, infection-induced (herpes-specific), susceptibility to, 1. Last evaluated: 2025-11-25. Review status: criteria provided, single submitter. Criteria: Invitae Variant Classification Sherloc (09022015). Collection method: clinical testing. Allele origin: germline.
Comment: This sequence change creates a premature translational stop signal (p.Ser342*) in the TLR3 gene. It is expected to result in an absent or disrupted protein product. However, the current clinical and genetic evidence is not sufficient to establish whether loss-of-function variants in TLR3 cause disease. This variant is not present in population databases (gnomAD no frequency). This variant has not been reported in the literature in individuals affected with TLR3-related conditions. ClinVar contains an entry for this variant (Variation ID: 1898683). In summary, the available evidence is currently insufficient to determine the role of this variant in disease. Therefore, it has been classified as a Variant of Uncertain Significance.